The following is an entry in ClinVar:

ClinVar aggregate classification (germline): Likely benign (1 of 4 stars; one submission).

Conditions:
GATA6-related disorder. Also called: GATA6-related condition.

Submission:

PreventionGenetics, part of Exact Sciences
Classification: Likely benign for GATA6-related condition. Last evaluated: 2025-12-18. Review status: criteria provided, single submitter. Criteria: ACMG Guidelines, 2015. Collection method: clinical testing. Allele origin: germline.
Comment: This variant is classified as likely benign based on ACMG/AMP sequence variant interpretation guidelines (Richards et al. 2015 PMID: 25741868, with internal and published modifications).

NC_000018.10:g.22169316T>C

Gene: GATA6 (GATA binding protein 6; plus strand). Cytogenetic location: 18q11.2.
Variant type: single nucleotide variant.
Genome position: GRCh38 VCF-style: chr18-22169316-T-C. GRCh37 (hg19) VCF-style: chr18-19749277-T-C.
Identifiers: ClinVar variation 4980052 (VCV004980052.1).